The following is an entry in ClinVar:

ClinVar aggregate classification (germline): Uncertain significance (1 of 4 stars; one submission).

Submission:

GeneDx
Classification: Uncertain significance. Last evaluated: 2025-02-04. Review status: criteria provided, single submitter. Criteria: GeneDx Variant Classification Process June 2021. Collection method: clinical testing. Allele origin: germline. Affected: yes.
Comment: Not observed at significant frequency in large population cohorts (gnomAD); In silico analysis supports that this missense variant has a deleterious effect on protein structure/function; Has not been previously published as pathogenic or benign to our knowledge

NM_006517.5(SLC16A2):c.1150C>T (p.Leu384Phe)

Gene: SLC16A2 (solute carrier family 16 member 2; plus strand). Cytogenetic location: Xq13.2.
Variant type: single nucleotide variant.
Coding change: c.1150C>T on transcript NM_006517.5 (MANE Select); coding-DNA position 1150, C replaced by T.
Protein change: p.Leu384Phe; replaces leucine 384 with phenylalanine.
Molecular consequence: missense variant.
Genome position (GRCh38, 1-based): chrX:74,525,873, C>T. VCF-style: chrX-74525873-C-T. GRCh37 (hg19) VCF-style: chrX-73745708-C-T.
Other names: short protein forms L384F.
Identifiers: ClinVar variation 4072728 (VCV004072728.1).
Genomic context (GRCh38, chrX:74,525,873, plus strand): 5'-GGGGCTACCTCAGGCCTTGGGCGTCTTGTGTCAGGCCACATCAGTGACTCCATCCCTGGA[C>T]TTAAGAAGATCTACTTGCAGGTGAGTGTGACCACTTGTCCACTGTGGGGAGAAACAGCCT-3'
Protein context (NP_006508.2, residues 374-394): SGHISDSIPG[Leu384Phe]KKIYLQVLSF